The following is an entry in ClinVar:

ClinVar aggregate classification (germline): Uncertain significance. Review status: criteria provided, multiple submitters, no conflicts (2 of 4 stars). 3 submissions from 3 submitters: Uncertain significance (3). Last evaluated 2025-03-23.

Conditions:
Cardiovascular phenotype. Identifiers: MedGen CN230736.
Glucocorticoid deficiency 5. Identifiers: MedGen C4540522, MONDO:0040502, OMIM 617825.
Primary dilated cardiomyopathy (DCM). Also called: Dilated Cardiomyopathy. Identifiers: Orphanet 217604, MedGen C0007193, MeSH D002311, MONDO:0005021, HP:0001644. Inheritance: Various modes of inheritance.

Allele frequency attached by ClinVar (database versions not stated): gnomAD 0.00001; gnomAD exomes 0.00001 and 0.00013; TOPMed 0.00004; ExAC 0.00035.
gnomAD v4.1: 18 of 1,510,026 alleles (0.0012%); highest among the groups gnomAD compares: East Asian, 0.03%; no homozygotes.

Submissions (3):

Ambry Genetics
Classification: Uncertain significance for Cardiovascular phenotype. Last evaluated: 2025-03-23. Review status: criteria provided, single submitter. Criteria: Ambry Variant Classification Scheme 2023. Collection method: clinical testing. Allele origin: germline.
Comment: The p.R16W variant (also known as c.46C>T), located in coding exon 1 of the TXNRD2 gene, results from a C to T substitution at nucleotide position 46. The arginine at codon 16 is replaced by tryptophan, an amino acid with dissimilar properties. This amino acid position is well conserved in available vertebrate species. In addition, this alteration is predicted to be tolerated by in silico analysis. Since supporting evidence is limited at this time, the clinical significance of this alteration remains unclear.

Labcorp Genetics (formerly Invitae), Labcorp
Classification: Uncertain significance for Primary dilated cardiomyopathy. Last evaluated: 2025-01-02. Review status: criteria provided, single submitter. Criteria: Invitae Variant Classification Sherloc (09022015). Collection method: clinical testing. Allele origin: germline.
Comment: This sequence change replaces arginine, which is basic and polar, with tryptophan, which is neutral and slightly polar, at codon 16 of the TXNRD2 protein (p.Arg16Trp). The frequency data for this variant in the population databases is considered unreliable, as metrics indicate poor data quality at this position in the gnomAD database. This variant has not been reported in the literature in individuals affected with TXNRD2-related conditions. ClinVar contains an entry for this variant (Variation ID: 263690). An algorithm developed to predict the effect of missense changes on protein structure and function (PolyPhen-2) suggests that this variant is likely to be disruptive. In summary, the available evidence is currently insufficient to determine the role of this variant in disease. Therefore, it has been classified as a Variant of Uncertain Significance.

Fulgent Genetics
Classification: Uncertain significance for Glucocorticoid deficiency 5. Last evaluated: 2021-08-13. Review status: criteria provided, single submitter. Criteria: ACMG Guidelines, 2015. Collection method: clinical testing. Allele origin: unknown.

NM_006440.5(TXNRD2):c.46C>T (p.Arg16Trp)

Genes: TXNRD2 (thioredoxin reductase 2; minus strand), LOC130066960 (ATAC-STARR-seq lymphoblastoid silent region 13467; plus strand). Cytogenetic location: 22q11.21.
Variant type: single nucleotide variant.
Coding change: c.46C>T on transcript NM_006440.5 (MANE Select); coding-DNA position 46, C replaced by T.
Protein change: p.Arg16Trp; replaces arginine 16 with tryptophan.
Molecular consequence: missense variant. On other transcripts: non-coding transcript variant (1).
Genome position (GRCh38, 1-based): chr22:19,941,758, G>A on the plus strand (C>T on the coding strand, the complement: TXNRD2 is on the minus strand). VCF-style: chr22-19941758-G-A. GRCh37 (hg19) VCF-style: chr22-19929281-G-A.
Other names: c.46C>T, p.Arg16Trp (NM_001282512.3, NM_001352300.2); short protein forms R16W.
Identifiers: ClinVar variation 263690 (VCV000263690.10), dbSNP rs777650793, ClinGen allele CA10104416.